The following is an entry in ClinVar:

NM_000212.3(ITGB3):c.541G>A (p.Ala181Thr)

Gene: ITGB3 (integrin subunit beta 3; plus strand). Cytogenetic location: 17q21.32.
Variant type: single nucleotide variant.
Coding change: c.541G>A on transcript NM_000212.3 (MANE Select); coding-DNA position 541, G replaced by A.
Protein change: p.Ala181Thr; replaces alanine 181 with threonine.
Molecular consequence: missense variant.
Genome position (GRCh38, 1-based): chr17:47,284,622, G>A. VCF-style: chr17-47284622-G-A. GRCh37 (hg19) VCF-style: chr17-45361988-G-A.
Other names: short protein forms A181T.
Identifiers: ClinVar variation 1703873 (VCV001703873.1), dbSNP rs763127353, ClinGen allele CA400023116.

ClinVar aggregate classification (germline): Uncertain significance (1 of 4 stars; one submission).

Conditions:
Bleeding disorder, platelet-type, 24. Also called: GLANZMANN THROMBASTHENIA-LIKE WITH MACROTHROMBOCYTOPENIA 2. Identifiers: MedGen C5543280, MONDO:0030996, OMIM 619271.

gnomAD v4.1: 1 of 1,614,076 alleles (0.000062%); highest among the groups gnomAD compares: African/African-American, 0.0013%; no homozygotes.

Submission:

ISTH-SSC Genomics in Thrombosis and Hemostasis, KU Leuven, Center for Molecular and Vascular Biology
Classification: Uncertain significance for Bleeding disorder, platelet-type, 24. Review status: criteria provided, single submitter. Criteria: ACMG Guidelines, 2015. Collection method: clinical testing. Allele origin: germline. Affected: yes. Observed: 1 heterozygote.
Comment: Submitted to GoldVariant by Kathleen Freson, Center for Molecular and Vascular Biology, Leuven, Belgium